The following is an entry in ClinVar:

NM_001127511.3(APC):c.-177dup

Gene: APC (APC regulator of Wnt signaling pathway; plus strand). Cytogenetic location: 5q22.2.
Variant type: Duplication.
Coding change: c.-177dup on transcript NM_001127511.3; 177 bases upstream of the start codon, one base duplicated (T; older notation c.-177dupT).
Molecular consequence: 5 prime UTR variant. On other transcripts: non-coding transcript variant (2).
Genome position (GRCh38, 1-based): chr5:112,707,541, T duplicated. VCF-style (leftmost placement, unchanged base first): chr5-112707540-G-GT. GRCh37 (hg19) VCF-style: chr5-112043237-G-GT.
Other names: c.-360dup (NM_001354895.2, NM_001407447.1, NM_001407452.1 and 3 more transcripts); c.-177dup (NM_001354897.2, NM_001354902.2, NM_001407446.1); c.-127dup (NM_001407448.1, NM_001407450.1, NM_001407457.1 and 1 more transcripts); c.-151dup (NM_001407453.1); c.-1395dup (NM_001407470.1, NM_001407472.1).
Identifiers: ClinVar variation 1058376 (VCV001058376.8), dbSNP rs2149629265, ClinGen allele CA2499217388.

ClinVar aggregate classification (germline): Uncertain significance (1 of 4 stars; one submission).

Conditions:
Familial adenomatous polyposis 1 (FAP1). Also called: FAMILIAL ADENOMATOUS POLYPOSIS 1, ATTENUATED; POLYPOSIS, ADENOMATOUS INTESTINAL. Identifiers: MedGen C2713442, MONDO:0021056, OMIM 175100. Disease mechanism: loss of function.

Submission:

Labcorp Genetics (formerly Invitae), Labcorp
Classification: Uncertain significance for Familial adenomatous polyposis 1. Last evaluated: 2020-09-24. Review status: criteria provided, single submitter. Criteria: Invitae Variant Classification Sherloc (09022015). Collection method: clinical testing. Allele origin: germline.
Comment: This variant occurs in a non-coding region of the APC gene. It does not change the encoded amino acid sequence of the APC protein. The frequency data for this variant in the population databases is considered unreliable, as metrics indicate insufficient coverage at this position in the ExAC database. This variant has not been reported in the literature in individuals with APC-related conditions. Experimental studies and prediction algorithms are not available or were not evaluated, and the functional significance of this variant is currently unknown. In summary, the available evidence is currently insufficient to determine the role of this variant in disease. Therefore, it has been classified as a Variant of Uncertain Significance.